The following is an entry in ClinVar:

ClinVar aggregate classification (germline): Uncertain significance (1 of 4 stars; one submission).

gnomAD v4.1: 2 of 1,612,652 alleles (0.00012%); highest among the groups gnomAD compares: Non-Finnish European, 0.00017%; no homozygotes.

Submission:

GeneDx
Classification: Uncertain significance. Last evaluated: 2023-08-24. Review status: criteria provided, single submitter. Criteria: GeneDx Variant Classification Process June 2021. Collection method: clinical testing. Allele origin: germline. Affected: yes.
Comment: Not observed at significant frequency in large population cohorts (gnomAD); In silico analysis supports that this missense variant does not alter protein structure/function; Reported in a compound heterozygous state with a second WFS1 variant in a patient with Wolfram syndrome (Colosimo et al., 2003); This variant is associated with the following publications: (PMID: 34258273, 12955714, 12754709)

NM_006005.3(WFS1):c.2378G>C (p.Arg793Pro)

Gene: WFS1 (wolframin ER transmembrane glycoprotein; plus strand). Cytogenetic location: 4p16.1.
Variant type: single nucleotide variant.
Coding change: c.2378G>C on transcript NM_006005.3 (MANE Select); coding-DNA position 2378, G replaced by C.
Protein change: p.Arg793Pro; replaces arginine 793 with proline.
Molecular consequence: missense variant.
Genome position (GRCh38, 1-based): chr4:6,302,173, G>C. VCF-style: chr4-6302173-G-C. GRCh37 (hg19) VCF-style: chr4-6303900-G-C.
Other names: c.2378G>C, p.Arg793Pro (NM_001145853.1); short protein forms R793P.
Identifiers: ClinVar variation 3338851 (VCV003338851.1).